The following is an entry in ClinVar:

ClinVar aggregate classification (germline): Uncertain significance (1 of 4 stars; one submission).

Allele frequency attached by ClinVar (database versions not stated): ExAC 0.00004; gnomAD 0.00002; TOPMed 0.00004.
gnomAD v4.1: 64 of 1,601,130 alleles (0.004%); highest among the groups gnomAD compares: Non-Finnish European, 0.0052%; no homozygotes.

Submission:

Labcorp Genetics (formerly Invitae), Labcorp
Classification: Uncertain significance. Last evaluated: 2025-12-09. Review status: criteria provided, single submitter. Criteria: Invitae Variant Classification Sherloc (09022015). Collection method: clinical testing. Allele origin: germline.
Comment: This sequence change replaces arginine, which is basic and polar, with tryptophan, which is neutral and slightly polar, at codon 413 of the ITGAM protein (p.Arg413Trp). The frequency data for this variant in the population databases is considered unreliable, as metrics indicate poor data quality at this position in the gnomAD database. This variant has not been reported in the literature in individuals affected with ITGAM-related conditions. ClinVar contains an entry for this variant (Variation ID: 2758957). An algorithm developed to predict the effect of missense changes on protein structure and function outputs the following: PolyPhen-2: "Benign". The tryptophan amino acid residue is found in multiple mammalian species, which suggests that this missense change does not adversely affect protein function. In summary, the available evidence is currently insufficient to determine the role of this variant in disease. Therefore, it has been classified as a Variant of Uncertain Significance.

NM_000632.4(ITGAM):c.1237C>T (p.Arg413Trp)

Gene: ITGAM (integrin subunit alpha M; plus strand). Cytogenetic location: 16p11.2.
Variant type: single nucleotide variant.
Coding change: c.1237C>T on transcript NM_000632.4 (MANE Select); coding-DNA position 1237, C replaced by T.
Protein change: p.Arg413Trp; replaces arginine 413 with tryptophan.
Molecular consequence: missense variant.
Genome position (GRCh38, 1-based): chr16:31,277,990, C>T. VCF-style: chr16-31277990-C-T. GRCh37 (hg19) VCF-style: chr16-31289311-C-T.
Other names: c.1237C>T, p.Arg413Trp (NM_001145808.2); short protein forms R413W.
Identifiers: ClinVar variation 2758957 (VCV002758957.3), dbSNP rs747862561, ClinGen allele CA8025479.
Genomic context (GRCh38, chr16:31,277,990, plus strand): 5'-AGGGAATGCACTTCACCTCTCAGACCCCCACCTTCAGGTTATGCTGCCGCCATCATCTTA[C>T]GGAACCGGGTGCAAAGCCTGGTTCTGGGGGCACCTCGATATCAGCACATCGGCCTGGTAG-3'
Protein context (NP_000623.2, residues 403-423): YLGYAAAIIL[Arg413Trp]NRVQSLVLGA